The following is an entry in ClinVar:

NM_020631.6(PLEKHG5):c.2885C>T (p.Ser962Leu)

Gene: PLEKHG5 (pleckstrin homology and RhoGEF domain containing G5; minus strand). Cytogenetic location: 1p36.31.
Variant type: single nucleotide variant.
Coding change: c.2885C>T on transcript NM_020631.6 (MANE Select); coding-DNA position 2885, C replaced by T.
Protein change: p.Ser962Leu; replaces serine 962 with leucine.
Molecular consequence: missense variant. On other transcripts: intron variant (1).
Genome position (GRCh38, 1-based): chr1:6,467,951, G>A on the plus strand (C>T on the coding strand, the complement: PLEKHG5 is on the minus strand). VCF-style: chr1-6467951-G-A. GRCh37 (hg19) VCF-style: chr1-6528011-G-A.
Other names: c.2996C>T, p.Ser999Leu (NM_001042663.3, NM_001265592.2); c.2885C>T, p.Ser962Leu (NM_001042664.2, NM_001042665.2, NM_198681.4); c.3092C>T, p.Ser1031Leu (NM_001265593.2); c.2738-53C>T (NM_001265594.3); short protein forms S1031L, S962L, S999L.
Identifiers: ClinVar variation 1431185 (VCV001431185.8), dbSNP rs369440409, ClinGen allele CA561075.

ClinVar aggregate classification (germline): Uncertain significance. Review status: criteria provided, multiple submitters, no conflicts (2 of 4 stars). 3 submissions from 3 submitters: Uncertain significance (3). Last evaluated 2023-04-05.

Conditions:
Inborn genetic diseases. Identifiers: MedGen C0950123, MeSH D030342.
Charcot-Marie-Tooth disease recessive intermediate C. Also called: CHARCOT-MARIE-TOOTH NEUROPATHY, RECESSIVE INTERMEDIATE C. Identifiers: Orphanet 369867, MedGen C3809309, MONDO:0014154, OMIM 615376.
Neuronopathy, distal hereditary motor, autosomal recessive 4. Also called: Autosomal recessive lower motor neuron disease with childhood onset; NEUROPATHY, DISTAL HEREDITARY MOTOR, AUTOSOMAL RECESSIVE 4. Identifiers: Orphanet 206580, MedGen C1970211, MONDO:0012608, OMIM 611067.

Allele frequency attached by ClinVar (database versions not stated): gnomAD exomes 0.00003 and 0.00006; ESP Exome Variant Server 0.00008; gnomAD 0.00008 and 0.00009; TOPMed 0.00009; ExAC 0.00015.
gnomAD v4.1: 56 of 1,572,212 alleles (0.0036%); highest among the groups gnomAD compares: African/African-American, 0.02%; no homozygotes.

Submissions (3):

Ambry Genetics
Classification: Uncertain significance for Inborn genetic diseases. Last evaluated: 2023-04-05. Review status: criteria provided, single submitter. Criteria: Ambry Variant Classification Scheme 2023. Collection method: clinical testing. Allele origin: germline.

Women's Health and Genetics/Laboratory Corporation of America, LabCorp
Classification: Uncertain significance. Last evaluated: 2022-07-14. Review status: criteria provided, single submitter. Criteria: LabCorp Variant Classification Summary - May 2015. Collection method: clinical testing. Allele origin: germline.
Comment: Variant summary: PLEKHG5 c.2885C>T (p.Ser962Leu) results in a non-conservative amino acid change in the encoded protein sequence. Three of four in-silico tools predict a benign effect of the variant on protein function. The variant allele was found at a frequency of 5.6e-05 in 179688 control chromosomes (gnomAD). This frequency is not significantly higher than expected for a pathogenic variant in PLEKHG5 causing Distal Spinal Muscular Atrophy, Autosomal Recessive 4 (5.6e-05 vs 0.0011), allowing no conclusion about variant significance. To our knowledge, no occurrence of c.2885C>T in individuals affected with Distal Spinal Muscular Atrophy, Autosomal Recessive 4 and no experimental evidence demonstrating its impact on protein function have been reported. One ClinVar submitter has assessed the variant since 2014: the variant was classified as of uncertain significance. Based on the evidence outlined above, the variant was classified as uncertain significance.

Labcorp Genetics (formerly Invitae), Labcorp
Classification: Uncertain significance for Neuronopathy, distal hereditary motor, autosomal recessive 4; Charcot-Marie-Tooth disease recessive intermediate C. Last evaluated: 2022-05-28. Review status: criteria provided, single submitter. Criteria: Invitae Variant Classification Sherloc (09022015). Collection method: clinical testing. Allele origin: germline.
Comment: This sequence change replaces serine, which is neutral and polar, with leucine, which is neutral and non-polar, at codon 962 of the PLEKHG5 protein (p.Ser962Leu). This variant is present in population databases (rs369440409, gnomAD 0.02%). This variant has not been reported in the literature in individuals affected with PLEKHG5-related conditions. ClinVar contains an entry for this variant (Variation ID: 1431185). Algorithms developed to predict the effect of missense changes on protein structure and function output the following: SIFT: "Tolerated"; PolyPhen-2: "Benign"; Align-GVGD: "Class C0". The leucine amino acid residue is found in multiple mammalian species, which suggests that this missense change does not adversely affect protein function. In summary, the available evidence is currently insufficient to determine the role of this variant in disease. Therefore, it has been classified as a Variant of Uncertain Significance.